The following is an entry in ClinVar:

NM_012418.4(FSCN2):c.334G>A (p.Gly112Arg)

Gene: FSCN2 (fascin actin-bundling protein 2, retinal; plus strand). Cytogenetic location: 17q25.3.
Variant type: single nucleotide variant.
Coding change: c.334G>A on transcript NM_012418.4 (MANE Select); coding-DNA position 334, G replaced by A.
Protein change: p.Gly112Arg; replaces glycine 112 with arginine.
Molecular consequence: missense variant.
Genome position (GRCh38, 1-based): chr17:81,528,865, G>A. VCF-style: chr17-81528865-G-A. GRCh37 (hg19) VCF-style: chr17-79495891-G-A.
Other names: c.334G>A, p.Gly112Arg (NM_001077182.3); short protein forms G112R.
Identifiers: ClinVar variation 837607 (VCV000837607.9), dbSNP rs782151927, ClinGen allele CA8836646.

ClinVar aggregate classification (germline): Uncertain significance. Review status: criteria provided, multiple submitters, no conflicts (2 of 4 stars). 2 submissions from 2 submitters: Uncertain significance (2). Last evaluated 2025-11-13.

Allele frequency attached by ClinVar (database versions not stated): TOPMed 0.00002; gnomAD exomes 0.00007.
gnomAD v4.1: 79 of 1,562,134 alleles (0.0051%); highest among the groups gnomAD compares: South Asian, 0.035%; 1 homozygote.

Submissions (2):

Labcorp Genetics (formerly Invitae), Labcorp
Classification: Uncertain significance. Last evaluated: 2025-11-13. Review status: criteria provided, single submitter. Criteria: Invitae Variant Classification Sherloc (09022015). Collection method: clinical testing. Allele origin: germline.
Comment: This sequence change replaces glycine, which is neutral and non-polar, with arginine, which is basic and polar, at codon 112 of the FSCN2 protein (p.Gly112Arg). This variant is present in population databases (rs782151927, gnomAD 0.03%). This variant has not been reported in the literature in individuals affected with FSCN2-related conditions. ClinVar contains an entry for this variant (Variation ID: 837607). An algorithm developed to predict the effect of missense changes on protein structure and function (PolyPhen-2) suggests that this variant is likely to be disruptive. In summary, the available evidence is currently insufficient to determine the role of this variant in disease. Therefore, it has been classified as a Variant of Uncertain Significance.

Ambry Genetics
Classification: Uncertain significance. Last evaluated: 2024-08-27. Review status: criteria provided, single submitter. Criteria: Ambry Variant Classification Scheme 2023. Collection method: clinical testing. Allele origin: germline.